The following is an entry in ClinVar:

ClinVar aggregate classification (germline): Uncertain significance (1 of 4 stars; one submission).

Conditions:
Immunodeficiency, common variable, 2 (CVID2). Also called: ANTIBODY DEFICIENCY DUE TO TACI DEFECT; HYPOGAMMAGLOBULINEMIA DUE TO TACI DEFICIENCY. Identifiers: Orphanet 1572, MedGen C3150354, MONDO:0009413, OMIM 240500.

Submission:

Labcorp Genetics (formerly Invitae), Labcorp
Classification: Uncertain significance for Immunodeficiency, common variable, 2. Last evaluated: 2024-04-18. Review status: criteria provided, single submitter. Criteria: Invitae Variant Classification Sherloc (09022015). Collection method: clinical testing. Allele origin: germline.
Comment: This sequence change replaces cysteine, which is neutral and slightly polar, with arginine, which is basic and polar, at codon 86 of the TNFRSF13B protein (p.Cys86Arg). This variant is not present in population databases (gnomAD no frequency). This variant has not been reported in the literature in individuals affected with TNFRSF13B-related conditions. Advanced modeling of protein sequence and biophysical properties (such as structural, functional, and spatial information, amino acid conservation, physicochemical variation, residue mobility, and thermodynamic stability) performed at Invitae indicates that this missense variant is expected to disrupt TNFRSF13B protein function with a positive predictive value of 80%. In summary, the available evidence is currently insufficient to determine the role of this variant in disease. Therefore, it has been classified as a Variant of Uncertain Significance.

NM_012452.3(TNFRSF13B):c.256T>C (p.Cys86Arg)

Gene: TNFRSF13B (TNF receptor superfamily member 13B; minus strand). Cytogenetic location: 17p11.2.
Variant type: single nucleotide variant.
Coding change: c.256T>C on transcript NM_012452.3 (MANE Select); coding-DNA position 256, T replaced by C.
Protein change: p.Cys86Arg; replaces cysteine 86 with arginine.
Molecular consequence: missense variant.
Genome position (GRCh38, 1-based): chr17:16,948,927, A>G on the plus strand (T>C on the coding strand, the complement: TNFRSF13B is on the minus strand). VCF-style: chr17-16948927-A-G. GRCh37 (hg19) VCF-style: chr17-16852241-A-G.
Other names: short protein forms C86R.
Identifiers: ClinVar variation 3610648 (VCV003610648.1).
Genomic context (GRCh38, chr17:16,948,927, plus strand): 5'-TCTCACAGAAGTATGCACATTGCTTAGGGTGCTGTCCACAGATGGAGGCACAGCTGATGC[A>G]GTCCCTCAGGAGATGGTCATAGAACTTGCCTTGCTCCTTGCGGCAGCTGAGTGACCCTGG-3'
Protein context (NP_036584.1, residues 76-96): GKFYDHLLRD[Cys86Arg]ISCASICGQH